The following is an entry in ClinVar:

ClinVar aggregate classification (germline): Uncertain significance. Review status: criteria provided, multiple submitters, no conflicts (2 of 4 stars). 5 submissions from 5 submitters: Uncertain significance (5). Last evaluated 2025-11-27.

Conditions:
POLD1-related polyposis and colorectal cancer syndrome (CRCS10). Also called: Colorectal cancer, susceptibility to, 10; Colorectal cancer 10; COLORECTAL CANCER, SUSCEPTIBILITY TO, ON CHROMOSOME 19q. Identifiers: Orphanet 220460, MedGen C2675481, MONDO:0012953, OMIM 612591.
Hereditary cancer-predisposing syndrome. Also called: Neoplastic Syndromes, Hereditary; Hereditary neoplastic syndrome; Hereditary Cancer Syndrome; Tumor predisposition. Identifiers: Orphanet 140162, MedGen C0027672, MeSH D009386, MONDO:0015356.

Allele frequency attached by ClinVar (database versions not stated): gnomAD 0.00001; gnomAD exomes 0.00002; TOPMed 0.00002.
gnomAD v4.1: 44 of 1,570,188 alleles (0.0028%); highest among the groups gnomAD compares: Non-Finnish European, 0.0037%; no homozygotes.

Submissions (5):

Labcorp Genetics (formerly Invitae), Labcorp
Classification: Uncertain significance for POLD1-related polyposis and colorectal cancer syndrome. Last evaluated: 2025-11-27. Review status: criteria provided, single submitter. Criteria: Invitae Variant Classification Sherloc (09022015). Collection method: clinical testing. Allele origin: germline.
Comment: This sequence change replaces aspartic acid, which is acidic and polar, with asparagine, which is neutral and polar, at codon 920 of the POLD1 protein (p.Asp920Asn). The frequency data for this variant in the population databases is considered unreliable, as metrics indicate poor data quality at this position in the gnomAD database. This variant has not been reported in the literature in individuals affected with POLD1-related conditions. ClinVar contains an entry for this variant (Variation ID: 407980). Invitae Evidence Modeling of protein sequence and biophysical properties (such as structural, functional, and spatial information, amino acid conservation, physicochemical variation, residue mobility, and thermodynamic stability) has been performed for this missense variant. However, the output from this modeling did not meet the statistical confidence thresholds required to predict the impact of this variant on POLD1 protein function. In summary, the available evidence is currently insufficient to determine the role of this variant in disease. Therefore, it has been classified as a Variant of Uncertain Significance.

Ambry Genetics
Classification: Uncertain significance for Hereditary cancer-predisposing syndrome. Last evaluated: 2025-11-20. Review status: criteria provided, single submitter. Criteria: Ambry Variant Classification Scheme 2023. Collection method: clinical testing. Allele origin: germline.
Comment: The p.D920N variant (also known as c.2758G>A), located in coding exon 21 of the POLD1 gene, results from a G to A substitution at nucleotide position 2758. The aspartic acid at codon 920 is replaced by asparagine, an amino acid with highly similar properties. This amino acid position is conserved. In addition, this alteration is predicted to be tolerated by in silico analysis. Since supporting evidence is limited at this time, the clinical significance of this alteration remains unclear.

Women's Health and Genetics/Laboratory Corporation of America, LabCorp
Classification: Uncertain significance. Last evaluated: 2025-10-14. Review status: criteria provided, single submitter. Criteria: LabCorp Variant Classification Summary - May 2015. Collection method: clinical testing. Allele origin: germline.
Comment: Variant summary: POLD1 c.2758G>A (p.Asp920Asn) results in a conservative amino acid change in the encoded protein sequence. Algorithms developed to predict the effect of missense changes on protein structure and function are either unavailable or do not agree on the potential impact of this missense change. The variant allele was found at a frequency of 1.6e-05 in 185066 control chromosomes. The available data on variant occurrences in the general population are insufficient to allow any conclusion about variant significance. c.2758G>A has been observed in an individual affected with Breast Cancer (Wasson_2025) without evidence for causality. These report(s) do not provide unequivocal conclusions about association of the variant with Colorectal Cancer. To our knowledge, no experimental evidence demonstrating an impact on protein function has been reported. The following publication have been ascertained in the context of this evaluation (PMID: 40418377). ClinVar contains an entry for this variant (Variation ID: 407980). Based on the evidence outlined above, the variant was classified as uncertain significance.

GeneDx
Classification: Uncertain significance. Last evaluated: 2020-05-18. Review status: criteria provided, single submitter. Criteria: GeneDx Variant Classification Process June 2021. Collection method: clinical testing. Allele origin: germline. Affected: yes.
Comment: Not observed at a significant frequency in large population cohorts (Lek 2016); In silico analysis supports that this missense variant has a deleterious effect on protein structure/function; Has not been previously published as pathogenic or benign to our knowledge

PreventionGenetics, part of Exact Sciences
Classification: Uncertain significance. Last evaluated: 2017-07-31. Review status: criteria provided, single submitter. Criteria: ACMG Guidelines, 2015. Collection method: clinical testing. Allele origin: germline.

Literature cited by the submitters: PubMed 40418377 (cited by Women's Health and Genetics/Laboratory Corporation of America, LabCorp).

NM_002691.4(POLD1):c.2758G>A (p.Asp920Asn)

Gene: POLD1 (DNA polymerase delta 1, catalytic subunit; plus strand). Cytogenetic location: 19q13.33.
Variant type: single nucleotide variant.
Coding change: c.2758G>A on transcript NM_002691.4 (MANE Select); coding-DNA position 2758, G replaced by A.
Protein change: p.Asp920Asn; replaces aspartic acid 920 with asparagine.
Molecular consequence: missense variant.
Genome position (GRCh38, 1-based): chr19:50,415,764, G>A. VCF-style: chr19-50415764-G-A. GRCh37 (hg19) VCF-style: chr19-50919021-G-A.
Other names: c.2836G>A, p.Asp946Asn (LRG_785t2, NM_001308632.1); c.2758G>A, p.Asp920Asn (NM_001256849.1, LRG_785t1); short protein forms D946N, D920N.
Identifiers: ClinVar variation 407980 (VCV000407980.17), dbSNP rs1060501811, ClinGen allele CA16616170.